The following is an entry in ClinVar:

ClinVar aggregate classification (germline): Uncertain significance. Review status: criteria provided, multiple submitters, no conflicts (2 of 4 stars). 2 submissions from 2 submitters: Uncertain significance (2). Last evaluated 2024-05-29.

gnomAD v4.1: 2 of 1,612,932 alleles (0.00012%); highest among the groups gnomAD compares: South Asian, 0.0011%; no homozygotes.

Submissions (2):

Ambry Genetics
Classification: Uncertain significance. Last evaluated: 2024-05-29. Review status: criteria provided, single submitter. Criteria: Ambry Variant Classification Scheme 2023. Collection method: clinical testing. Allele origin: germline.

Labcorp Genetics (formerly Invitae), Labcorp
Classification: Uncertain significance. Last evaluated: 2022-06-01. Review status: criteria provided, single submitter. Criteria: Invitae Variant Classification Sherloc (09022015). Collection method: clinical testing. Allele origin: germline.
Comment: This variant is not present in population databases (gnomAD no frequency). This variant has not been reported in the literature in individuals affected with DSCAML1-related conditions. Algorithms developed to predict the effect of missense changes on protein structure and function (SIFT, PolyPhen-2, Align-GVGD) all suggest that this variant is likely to be tolerated. In summary, the available evidence is currently insufficient to determine the role of this variant in disease. Therefore, it has been classified as a Variant of Uncertain Significance. This sequence change replaces valine, which is neutral and non-polar, with methionine, which is neutral and non-polar, at codon 1666 of the DSCAML1 protein (p.Val1666Met).

NM_020693.4(DSCAML1):c.4816G>A (p.Val1606Met)

Gene: DSCAML1 (DS cell adhesion molecule like 1; minus strand). Cytogenetic location: 11q23.3.
Variant type: single nucleotide variant.
Coding change: c.4816G>A on transcript NM_020693.4 (MANE Select); coding-DNA position 4816, G replaced by A.
Protein change: p.Val1606Met; replaces valine 1606 with methionine.
Molecular consequence: missense variant.
Genome position (GRCh38, 1-based): chr11:117,435,704, C>T on the plus strand (G>A on the coding strand, the complement: DSCAML1 is on the minus strand). VCF-style: chr11-117435704-C-T. GRCh37 (hg19) VCF-style: chr11-117306420-C-T.
Other names: c.4996G>A (NM_020693.2); short protein forms V1606M.
Identifiers: ClinVar variation 2056655 (VCV002056655.5), dbSNP rs138082991, ClinGen allele CA382756909.